The following is an entry in ClinVar:

ClinVar aggregate classification (germline): Uncertain significance. Review status: criteria provided, multiple submitters, no conflicts (2 of 4 stars). 2 submissions from 2 submitters: Uncertain significance (2). Last evaluated 2025-07-29.

Conditions:
Dyskeratosis congenita, autosomal recessive 5 (DKCB5). Identifiers: MedGen C3554656, MONDO:0014076, OMIM 615190.
Pulmonary fibrosis and/or bone marrow failure, Telomere-related, 3. Also called: PULMONARY FIBROSIS AND/OR BONE MARROW FAILURE SYNDROME, TELOMERE-RELATED, 3. Identifiers: Orphanet 2032, MedGen C4225346, MONDO:0014613, OMIM 616373.
Inborn genetic diseases. Identifiers: MedGen C0950123, MeSH D030342.

Submissions (2):

Labcorp Genetics (formerly Invitae), Labcorp
Classification: Uncertain significance for Dyskeratosis congenita, autosomal recessive 5; Pulmonary fibrosis and/or bone marrow failure, Telomere-related, 3. Last evaluated: 2025-07-29. Review status: criteria provided, single submitter. Criteria: Invitae Variant Classification Sherloc (09022015). Collection method: clinical testing. Allele origin: germline.
Comment: This sequence change replaces glutamine, which is neutral and polar, with arginine, which is basic and polar, at codon 954 of the RTEL1 protein (p.Gln954Arg). This variant is not present in population databases (gnomAD no frequency). This variant has not been reported in the literature in individuals affected with RTEL1-related conditions. ClinVar contains an entry for this variant (Variation ID: 1901459). An algorithm developed to predict the effect of missense changes on protein structure and function outputs the following: PolyPhen-2: "Benign". The arginine amino acid residue is found in multiple mammalian species, which suggests that this missense change does not adversely affect protein function. In summary, the available evidence is currently insufficient to determine the role of this variant in disease. Therefore, it has been classified as a Variant of Uncertain Significance.

Ambry Genetics
Classification: Uncertain significance for Inborn genetic diseases. Last evaluated: 2024-12-08. Review status: criteria provided, single submitter. Criteria: Ambry Variant Classification Scheme 2023. Collection method: clinical testing. Allele origin: germline.
Comment: The p.Q954R variant (also known as c.2861A>G), located in coding exon 29 of the RTEL1 gene, results from an A to G substitution at nucleotide position 2861. The glutamine at codon 954 is replaced by arginine, an amino acid with highly similar properties. This amino acid position is conserved. In addition, this alteration is predicted to be tolerated by in silico analysis. Based on the available evidence, the clinical significance of this variant remains unclear.

NM_001283009.2(RTEL1):c.2861A>G (p.Gln954Arg)

Genes: RTEL1 (regulator of telomere elongation helicase 1; plus strand), RTEL1-TNFRSF6B (RTEL1-TNFRSF6B readthrough (NMD candidate); plus strand). Cytogenetic location: 20q13.33.
Variant type: single nucleotide variant.
Coding change: c.2861A>G on transcript NM_001283009.2 (MANE Select); coding-DNA position 2861, A replaced by G.
Protein change: p.Gln954Arg; replaces glutamine 954 with arginine.
Molecular consequence: missense variant. On other transcripts: non-coding transcript variant (1).
Genome position (GRCh38, 1-based): chr20:63,693,152, A>G. VCF-style: chr20-63693152-A-G. GRCh37 (hg19) VCF-style: chr20-62324505-A-G.
Other names: c.2192A>G, p.Gln731Arg (NM_001283010.1); c.2861A>G, p.Gln954Arg (NM_016434.4); c.2933A>G, p.Gln978Arg (NM_032957.5); short protein forms Q954R, Q731R, Q978R.
Identifiers: ClinVar variation 1901459 (VCV001901459.6), dbSNP rs2090803177, ClinGen allele CA409683189.